The following is an entry in ClinVar:

ClinVar aggregate classification (germline): Uncertain significance. Review status: reviewed by expert panel (3 of 4 stars). 5 submissions from 5 submitters: Uncertain significance (1). 4 of the submissions do not count toward it. Last evaluated 2026-06-23.

Conditions:
Galactosemia. Also called: Galactose intolerance. Identifiers: Orphanet 352, MedGen C0016952, MONDO:0018116, HP:0004919. Disease mechanism: loss of function.
Deficiency of UDPglucose-hexose-1-phosphate uridylyltransferase. Also called: GALACTOSEMIA I; GALT deficiency; Galactosemia, classic; GALACTOSE-1-PHOSPHATE URIDYLYLTRANSFERASE DEFICIENCY; Transferase Deficiency Galactosemia. Identifiers: Orphanet 352, Orphanet 79239, MedGen C0268151, MONDO:0009258, OMIM 230400.

Allele frequency attached by ClinVar (database versions not stated): gnomAD exomes 0.00019 and 0.00069; ESP Exome Variant Server 0.00023; gnomAD 0.00028 and 0.00029; TOPMed 0.00036; ExAC 0.00072.
gnomAD v4.1: 341 of 1,613,230 alleles (0.021%); highest among the groups gnomAD compares: Admixed American, 0.18%; 1 homozygote.

Submissions (5):

Clingen Galactosemia Variant Curation Expert Panel, ClinGen
Classification: Uncertain significance for Galactosemia. Last evaluated: 2026-06-23. Review status: reviewed by expert panel. Criteria: ClinGen Galactosemia ACMG Specifications GALT V1.1. Collection method: curation. Allele origin: germline. Inheritance: Autosomal recessive inheritance.
Comment: The c.*8G>A variant is a single base substitution in the 3' UTR of GALT. Because the variant is located in the 3' UTR, it is not expected to alter the amino acid sequence. The filtering allele frequency of the c.*8G>A variant in GALT is 0.001525 for Admixed American chromosomes by gnomAD v4.1.0. In summary, this variant meets the criteria to be classified as variant of uncertain significance for galactosemia based on the ACMG/AMP criteria applied, as specified by the ClinGen Galactosemia VCEP: no codes applied (GALT specifications v1.0.0).

Women's Health and Genetics/Laboratory Corporation of America, LabCorp
Classification: Uncertain significance. Last evaluated: 2019-05-28. Review status: criteria provided, single submitter. Criteria: LabCorp Variant Classification Summary - May 2015. Collection method: clinical testing. Allele origin: germline. Not counted in ClinVar's aggregate classification.
Comment: Variant summary: GALT c.*8G>A is located in the untranslated mRNA region downstream of the termination codon. The variant allele was found at a frequency of 0.00069 in 251154 control chromosomes, predominantly within the Latino subpopulation at a frequency of 0.0022 in the gnomAD database. This frequency is not higher than expected for a pathogenic variant in GALT causing Galactosemia (0.0022 vs. 0.0029), allowing no conclusion about variant significance. To our knowledge, no occurrence of c.*8G>A in individuals affected with Galactosemia and no experimental evidence demonstrating its impact on protein function have been reported. A ClinVar submission from a clinical diagnostic laboratory (evaluation after 2014) cites the variant as uncertain significance. Based on the evidence outlined above, the variant was classified as uncertain significance.

Illumina Laboratory Services, Illumina
Classification: Uncertain significance for Deficiency of UDPglucose-hexose-1-phosphate uridylyltransferase. Last evaluated: 2018-01-13. Review status: criteria provided, single submitter. Criteria: ICSL Variant Classification Criteria 13 December 2019. Collection method: clinical testing. Allele origin: germline. Not counted in ClinVar's aggregate classification.

ARUP Laboratories, Molecular Genetics and Genomics, ARUP Laboratories
Classification: Uncertain significance. Last evaluated: 2017-03-07. Review status: criteria provided, single submitter. Criteria: ARUP Molecular Germline Variant Investigation Process. Collection method: clinical testing. Allele origin: germline. Not counted in ClinVar's aggregate classification.

Natera, Inc.
Classification: Uncertain significance for Galactosemia. Last evaluated: 2018-06-30. Review status: no assertion criteria provided. Collection method: clinical testing. Allele origin: germline. Not counted in ClinVar's aggregate classification.

NM_000155.4(GALT):c.*8G>A

Gene: GALT (galactose-1-phosphate uridylyltransferase; plus strand). Cytogenetic location: 9p13.3.
Variant type: single nucleotide variant.
Coding change: c.*8G>A on transcript NM_000155.4 (MANE Select); 8 bases downstream of the stop codon, G replaced by A.
Molecular consequence: 3 prime UTR variant.
Genome position (GRCh38, 1-based): chr9:34,650,457, G>A. VCF-style: chr9-34650457-G-A. GRCh37 (hg19) VCF-style: chr9-34650454-G-A.
Other names: c.*8G>A (NM_001258332.2).
Identifiers: ClinVar variation 439751 (VCV000439751.14), dbSNP rs370285476, ClinGen allele CA5036311.